The following is an entry in ClinVar:

NM_001361.5(DHODH):c.*574G>T

Gene: DHODH (dihydroorotate dehydrogenase (quinone); plus strand). Cytogenetic location: 16q22.2.
Variant type: single nucleotide variant.
Coding change: c.*574G>T on transcript NM_001361.5 (MANE Select); 574 bases downstream of the stop codon, G replaced by T.
Molecular consequence: 3 prime UTR variant.
Genome position (GRCh38, 1-based): chr16:72,024,773, G>T. VCF-style: chr16-72024773-G-T. GRCh37 (hg19) VCF-style: chr16-72058672-G-T.
Identifiers: ClinVar variation 320449 (VCV000320449.6), dbSNP rs2288001, ClinGen allele CA10644204.

ClinVar aggregate classification (germline): Benign. Review status: criteria provided, multiple submitters, no conflicts (2 of 4 stars). 2 submissions from 2 submitters: Benign (2). Last evaluated 2018-01-13.

Conditions:
Miller syndrome (POADS). Also called: GENEE-WIEDEMANN SYNDROME; Genee-Wiedemann acrofacial dysostosis. Identifiers: Orphanet 246, MedGen C0265257, MONDO:0009903, OMIM 263750.

Allele frequency attached by ClinVar (database versions not stated): gnomAD exomes 0.54036; 1000 Genomes Project 30x 0.54076; TOPMed 0.54240; 1000 Genomes Project 0.54453; gnomAD 0.55770 and 0.55967.
gnomAD v4.1: 85,736 of 153,436 alleles (56%); highest among the groups gnomAD compares: South Asian, 68%; 24,315 homozygotes.

Submissions (2):

Illumina Laboratory Services, Illumina
Classification: Benign for Miller syndrome. Last evaluated: 2018-01-13. Review status: criteria provided, single submitter. Criteria: ICSL Variant Classification Criteria 13 December 2019. Collection method: clinical testing. Allele origin: germline.
Comment: This variant was observed in the ICSL laboratory as part of a predisposition screen in an ostensibly healthy population. It had not been previously curated by ICSL or reported in the Human Gene Mutation Database (HGMD: prior to June 1st, 2018), and was therefore a candidate for classification through an automated scoring system. Utilizing variant allele frequency, disease prevalence and penetrance estimates, and inheritance mode, an automated score was calculated to assess if this variant is too frequent to cause the disease. Based on the score and internal cut-off values, a variant classified as benign is not then subjected to further curation. The score for this variant resulted in a classification of benign for this disease.

Breakthrough Genomics
Classification: Benign. Review status: criteria provided, single submitter. Criteria: ACMG Guidelines, 2015. Collection method: not provided. Allele origin: germline. Inheritance: Autosomal recessive inheritance. Affected: yes.